The following is an entry in ClinVar:

NM_001365536.1(SCN9A):c.4077T>G (p.Phe1359Leu)

Genes: SCN1A-AS1 (SCN1A and SCN9A antisense RNA 1; plus strand), SCN9A (sodium voltage-gated channel alpha subunit 9; minus strand). Cytogenetic location: 2q24.3.
Variant type: single nucleotide variant.
Coding change: c.4077T>G on transcript NM_001365536.1 (MANE Select); coding-DNA position 4077, T replaced by G.
Protein change: p.Phe1359Leu; replaces phenylalanine 1359 with leucine.
Molecular consequence: missense variant.
Genome position (GRCh38, 1-based): chr2:166,228,820, A>C on the plus strand (T>G on the coding strand, the complement: SCN9A is on the minus strand). VCF-style: chr2-166228820-A-C. GRCh37 (hg19) VCF-style: chr2-167085330-A-C.
Other names: c.4044T>G, p.Phe1348Leu (NM_002977.4); short protein forms F1348L, F1359L.
Identifiers: ClinVar variation 3758910 (VCV003758910.2).
Genomic context (GRCh38, chr2:166,228,820, plus strand): 5'-ATTTTGACTAACATTCATAAGGGCAAAACATTCGGAACGATTTGGAACTTGACTTGCAGG[A>C]AACCGTGACCCATCTGTGGTGTTAATACACTCATAGAACTTGCCAGCAAACAAATTTACT-3'
Protein context (NP_001352465.1, residues 1349-1369): ECINTTDGSR[Phe1359Leu]PASQVPNRSE

ClinVar aggregate classification (germline): Uncertain significance (1 of 4 stars; one submission).

Conditions:
Neuropathy, hereditary sensory and autonomic, type 2A (HSAN2A). Also called: ACROOSTEOLYSIS, GIACCAI TYPE; ACROOSTEOLYSIS, NEUROGENIC; WNK1-Related HSAN2 (HSAN2A); MORVAN DISEASE; NEUROPATHY, CONGENITAL SENSORY; NEUROPATHY, HEREDITARY SENSORY RADICULAR, AUTOSOMAL RECESSIVE. Identifiers: Orphanet 970, MedGen C2752089, MONDO:0024309, OMIM 201300.
Generalized epilepsy with febrile seizures plus, type 7 (GEFSP7). Also called: GEFS+, TYPE 7. Identifiers: Orphanet 36387, MedGen C2751778, MONDO:0013470, OMIM 613863.

Submission:

Labcorp Genetics (formerly Invitae), Labcorp
Classification: Uncertain significance for Neuropathy, hereditary sensory and autonomic, type 2A; Generalized epilepsy with febrile seizures plus, type 7. Last evaluated: 2024-11-15. Review status: criteria provided, single submitter. Criteria: Invitae Variant Classification Sherloc (09022015). Collection method: clinical testing. Allele origin: germline.
Comment: This sequence change replaces phenylalanine, which is neutral and non-polar, with leucine, which is neutral and non-polar, at codon 1348 of the SCN9A protein (p.Phe1348Leu). This variant is not present in population databases (gnomAD no frequency). This variant has not been reported in the literature in individuals affected with SCN9A-related conditions. Invitae Evidence Modeling of protein sequence and biophysical properties (such as structural, functional, and spatial information, amino acid conservation, physicochemical variation, residue mobility, and thermodynamic stability) indicates that this missense variant is not expected to disrupt SCN9A protein function with a negative predictive value of 95%. In summary, the available evidence is currently insufficient to determine the role of this variant in disease. Therefore, it has been classified as a Variant of Uncertain Significance.